The following is an entry in ClinVar:

NM_014629.4(ARHGEF10):c.3448A>G (p.Met1150Val)

Gene: ARHGEF10 (Rho guanine nucleotide exchange factor 10; plus strand). Cytogenetic location: 8p23.3.
Variant type: single nucleotide variant.
Coding change: c.3448A>G on transcript NM_014629.4 (MANE Select); coding-DNA position 3448, A replaced by G.
Protein change: p.Met1150Val; replaces methionine 1150 with valine.
Molecular consequence: missense variant.
Genome position (GRCh38, 1-based): chr8:1,952,755, A>G. VCF-style: chr8-1952755-A-G. GRCh37 (hg19) VCF-style: chr8-1900921-A-G.
Other names: c.3334A>G, p.Met1112Val (NM_001308152.2); c.3448A>G, p.Met1150Val (NM_001308153.3); short protein forms M1112V, M1174V, M1150V.
Identifiers: ClinVar variation 744431 (VCV000744431.11), dbSNP rs554650304, ClinGen allele CA4601381.

ClinVar aggregate classification (germline): Likely benign. Review status: criteria provided, single submitter (1 of 4 stars). 2 submissions from 2 submitters: Likely benign (1). 1 of the submissions does not count toward it. Last evaluated 2024-10-18.

Conditions:
ARHGEF10-related disorder. Also called: ARHGEF10-related condition.

Allele frequency attached by ClinVar (database versions not stated): TOPMed 0.00001; gnomAD exomes 0.00026 and 0.00061; 1000 Genomes Project 0.00160; 1000 Genomes Project 30x 0.00250; gnomAD below 0.00001 and 0.00020; ExAC 0.00062.

Submissions (2):

Labcorp Genetics (formerly Invitae), Labcorp
Classification: Likely benign. Last evaluated: 2024-10-18. Review status: criteria provided, single submitter. Criteria: Invitae Variant Classification Sherloc (09022015). Collection method: clinical testing. Allele origin: germline.

PreventionGenetics, part of Exact Sciences
Classification: Likely benign for ARHGEF10-related condition. Last evaluated: 2020-07-13. Review status: no assertion criteria provided. Collection method: clinical testing. Allele origin: germline. Not counted in ClinVar's aggregate classification.
Comment: This variant is classified as likely benign based on ACMG/AMP sequence variant interpretation guidelines (Richards et al. 2015 PMID: 25741868, with internal and published modifications).